The following is an entry in ClinVar:

NM_015178.3(RHOBTB2):c.2048A>G (p.Lys683Arg)

Gene: RHOBTB2 (Rho related BTB domain containing 2; plus strand). Cytogenetic location: 8p21.3.
Variant type: single nucleotide variant.
Coding change: c.2048A>G on transcript NM_015178.3 (MANE Select); coding-DNA position 2048, A replaced by G.
Protein change: p.Lys683Arg; replaces lysine 683 with arginine.
Molecular consequence: missense variant.
Genome position (GRCh38, 1-based): chr8:23,017,333, A>G. VCF-style: chr8-23017333-A-G. GRCh37 (hg19) VCF-style: chr8-22874846-A-G.
Other names: c.2114A>G, p.Lys705Arg (NM_001160036.2); c.2069A>G, p.Lys690Arg (NM_001160037.2); c.2048A>G, p.Lys683Arg (NM_001374791.1); short protein forms K690R, K705R, K683R.
Identifiers: ClinVar variation 2813775 (VCV002813775.3), dbSNP rs1811319884, ClinGen allele CA370577180.

ClinVar aggregate classification (germline): Uncertain significance (1 of 4 stars; one submission).

Allele frequency attached by ClinVar (database versions not stated): TOPMed below 0.00001.

Submission:

Labcorp Genetics (formerly Invitae), Labcorp
Classification: Uncertain significance. Last evaluated: 2022-11-12. Review status: criteria provided, single submitter. Criteria: Invitae Variant Classification Sherloc (09022015). Collection method: clinical testing. Allele origin: germline.
Comment: This sequence change replaces lysine, which is basic and polar, with arginine, which is basic and polar, at codon 705 of the RHOBTB2 protein (p.Lys705Arg). In summary, the available evidence is currently insufficient to determine the role of this variant in disease. Therefore, it has been classified as a Variant of Uncertain Significance. Advanced modeling of protein sequence and biophysical properties (such as structural, functional, and spatial information, amino acid conservation, physicochemical variation, residue mobility, and thermodynamic stability) performed at Invitae indicates that this missense variant is not expected to disrupt RHOBTB2 protein function. This variant has not been reported in the literature in individuals affected with RHOBTB2-related conditions. This variant is not present in population databases (gnomAD no frequency).